The following is an entry in ClinVar:

ClinVar aggregate classification (germline): Pathogenic (1 of 4 stars; one submission).

Conditions:
Alpha thalassemia-X-linked intellectual disability syndrome (ATRX). Also called: X-linked alpha-thalassemia-mental retardation syndrome; ALPHA-THALASSEMIA/IMPAIRED INTELLECTUAL DEVELOPMENT SYNDROME, X-LINKED; ALPHA-THALASSEMIA/MENTAL RETARDATION SYNDROME, X-LINKED; ATR, NONDELETION TYPE; ATR-X syndrome; Alpha thalassemia mental retardation syndrome, nondeletion type, X-linked. Identifiers: Orphanet 847, MedGen C1845055, MONDO:0010519, OMIM 301040.

Submission:

Labcorp Genetics (formerly Invitae), Labcorp
Classification: Pathogenic for Alpha thalassemia-X-linked intellectual disability syndrome. Last evaluated: 2021-03-13. Review status: criteria provided, single submitter. Criteria: Invitae Variant Classification Sherloc (09022015). Collection method: clinical testing. Allele origin: germline.
Comment: This sequence change creates a premature translational stop signal (p.Thr894Hisfs*3) in the ATRX gene. It is expected to result in an absent or disrupted protein product. Loss-of-function variants in ATRX are known to be pathogenic (PMID: 15591283, 18409179, 23681356). This variant is not present in population databases (ExAC no frequency). This variant has not been reported in the literature in individuals with ATRX-related conditions. For these reasons, this variant has been classified as Pathogenic.

Literature cited by the submitters: PubMed 15591283; PubMed 18409179; PubMed 23681356.

NM_000489.6(ATRX):c.2678dup (p.Thr894fs)

Gene: ATRX (ATRX chromatin remodeler; minus strand). Cytogenetic location: Xq21.1.
Variant type: Duplication.
Coding change: c.2678dup on transcript NM_000489.6 (MANE Select); coding-DNA position 2678, one base duplicated (G; older notation c.2678dupG).
Protein change: p.Thr894fs; shifts the reading frame from threonine 894.
Molecular consequence: frameshift variant.
Genome position (GRCh38, 1-based): chrX:77,682,578, C duplicated on the plus strand (G on the coding strand, the reverse complement: ATRX is on the minus strand); the first of 2 consecutive C bases (chrX:77,682,578-77,682,579); duplicating either gives the same sequence. VCF-style (leftmost placement, unchanged base first): chrX-77682577-G-GC. GRCh37 (hg19) VCF-style: chrX-76938069-G-GC.
Other names: c.2564dup, p.Thr856fs (NM_138270.5); short protein forms T856fs, T894fs.
Identifiers: ClinVar variation 1441584 (VCV001441584.6), dbSNP rs2148591494, ClinGen allele CA2573159547.